The following is an entry in ClinVar:

ClinVar aggregate classification (germline): Benign/Likely benign. Review status: criteria provided, multiple submitters, no conflicts (2 of 4 stars). 6 submissions from 6 submitters: Benign (2); Likely benign (4). Last evaluated 2025-11-25.

Conditions:
Developmental and epileptic encephalopathy, 14 (DEE14). Also called: Early infantile epileptic encephalopathy 14. Identifiers: Orphanet 293181, MedGen C3554195, MONDO:0013989, OMIM 614959.
Autosomal dominant nocturnal frontal lobe epilepsy 5. Also called: Epilepsy, nocturnal frontal lobe, 5; KCNT1-Related Epilepsy; CILIARY DYSKINESIA, PRIMARY, 28, WITHOUT SITUS INVERSUS; CILIARY DYSKINESIA, PRIMARY, 28, WITH SITUS INVERSUS. Identifiers: Orphanet 98784, MedGen C3554306, MONDO:0014002, OMIM 615005.
Inborn genetic diseases. Identifiers: MedGen C0950123, MeSH D030342.

Allele frequency attached by ClinVar (database versions not stated): ESP Exome Variant Server 0.00023; gnomAD exomes 0.00026 and 0.00046; gnomAD 0.00032; TOPMed 0.00032; ExAC 0.00041.
gnomAD v4.1: 454 of 1,600,932 alleles (0.028%); highest among the groups gnomAD compares: Admixed American, 0.015%; no homozygotes.

Submissions (6):

Labcorp Genetics (formerly Invitae), Labcorp
Classification: Benign for Autosomal dominant nocturnal frontal lobe epilepsy 5; Developmental and epileptic encephalopathy, 14. Last evaluated: 2025-11-25. Review status: criteria provided, single submitter. Criteria: Invitae Variant Classification Sherloc (09022015). Collection method: clinical testing. Allele origin: germline.

Blueprint Genetics
Classification: Likely benign. Last evaluated: 2024-11-26. Review status: criteria provided, single submitter. Criteria: ACMG Guidelines, 2015. Collection method: clinical testing. Allele origin: germline.

CeGaT Center for Human Genetics Tuebingen
Classification: Likely benign. Last evaluated: 2024-10-01. Review status: criteria provided, single submitter. Criteria: CeGaT Center For Human Genetics Tuebingen Variant Classification Criteria Version 2. Collection method: clinical testing. Allele origin: germline. Affected: yes. Observed: 3 variant alleles.
Comment: KCNT1: BS2

Ambry Genetics
Classification: Likely benign for Inborn genetic diseases. Last evaluated: 2019-03-12. Review status: criteria provided, single submitter. Criteria: Ambry Variant Classification Scheme 2023. Collection method: clinical testing. Allele origin: germline.

Eurofins Ntd Llc (ga)
Classification: Likely benign. Last evaluated: 2016-11-21. Review status: criteria provided, single submitter. Criteria: EGL Classification Definitions 2015. Collection method: clinical testing. Allele origin: germline. Observed: 1 variant allele, 1 heterozygote.

GeneDx
Classification: Benign. Last evaluated: 2016-11-21. Review status: criteria provided, single submitter. Criteria: GeneDx Variant Classification (06012015). Collection method: clinical testing. Allele origin: germline. Affected: yes.
Comment: This variant is considered likely benign or benign based on one or more of the following criteria: it is a conservative change, it occurs at a poorly conserved position in the protein, it is predicted to be benign by multiple in silico algorithms, and/or has population frequency not consistent with disease.

Literature cited by the submitters: PubMed 29422393 (cited by Ambry Genetics).

NM_020822.3(KCNT1):c.1628A>G (p.Gln543Arg)

Gene: KCNT1 (potassium sodium-activated channel subfamily T member 1; plus strand). Cytogenetic location: 9q34.3.
Variant type: single nucleotide variant.
Coding change: c.1628A>G on transcript NM_020822.3 (MANE Select); coding-DNA position 1628, A replaced by G.
Protein change: p.Gln543Arg; replaces glutamine 543 with arginine.
Molecular consequence: missense variant.
Genome position (GRCh38, 1-based): chr9:135,770,306, A>G. VCF-style: chr9-135770306-A-G. GRCh37 (hg19) VCF-style: chr9-138662152-A-G.
Other names: c.1493A>G, p.Gln498Arg (NM_001272003.2); short protein forms Q543R, Q498R.
Identifiers: ClinVar variation 378037 (VCV000378037.60), dbSNP rs200173000, ClinGen allele CA5327014.
Genomic context (GRCh38, chr9:135,770,306, plus strand): 5'-GGGGCAGCCATGGCCGAGGGTGACGCTCCCCTGGCCCCGCCCTGGCCCACAGGGAGGGAC[A>G]GGAGTCTCCGGAGCAGTGGCAGCGCATGTATGGGCGCTGCTCCGGCAACGAGGTGTACCA-3'
Protein context (NP_065873.2, residues 533-553): LVHTSRGQEG[Gln543Arg]ESPEQWQRMY